The following is an entry in ClinVar:

ClinVar aggregate classification (germline): Uncertain significance (1 of 4 stars; one submission).

Conditions:
Cohen syndrome (COH1). Also called: PEPPER SYNDROME; Cutis verticis gyrata, retinitis pigmentosa, and sensorineural deafness. Identifiers: Orphanet 193, MedGen C0265223, MONDO:0008999, OMIM 216550.

Submission:

Labcorp Genetics (formerly Invitae), Labcorp
Classification: Uncertain significance for Cohen syndrome. Last evaluated: 2022-02-02. Review status: criteria provided, single submitter. Criteria: Invitae Variant Classification Sherloc (09022015). Collection method: clinical testing. Allele origin: germline.
Comment: In summary, the available evidence is currently insufficient to determine the role of this variant in disease. Therefore, it has been classified as a Variant of Uncertain Significance. Algorithms developed to predict the effect of missense changes on protein structure and function are either unavailable or do not agree on the potential impact of this missense change (SIFT: "Not Available"; PolyPhen-2: "Possibly Damaging"; Align-GVGD: "Not Available"). ClinVar contains an entry for this variant (Variation ID: 1060032). This variant has not been reported in the literature in individuals affected with VPS13B-related conditions. This variant is not present in population databases (gnomAD no frequency). This sequence change replaces serine, which is neutral and polar, with cysteine, which is neutral and slightly polar, at codon 2541 of the VPS13B protein (p.Ser2541Cys).

NM_152564.5(VPS13B):c.7547C>G (p.Ser2516Cys)

Gene: VPS13B (vacuolar protein sorting 13 homolog B; plus strand). Cytogenetic location: 8q22.2.
Variant type: single nucleotide variant.
Coding change: c.7547C>G on transcript NM_152564.5 (MANE Select); coding-DNA position 7547, C replaced by G.
Protein change: p.Ser2516Cys; replaces serine 2516 with cysteine.
Molecular consequence: missense variant.
Genome position (GRCh38, 1-based): chr8:99,778,799, C>G. VCF-style: chr8-99778799-C-G. GRCh37 (hg19) VCF-style: chr8-100791027-C-G.
Other names: c.7622C>G, p.Ser2541Cys (NM_017890.5); short protein forms S2516C, S2541C.
Identifiers: ClinVar variation 1060032 (VCV001060032.9), dbSNP rs2130678778, ClinGen allele CA371876197.